The following is an entry in ClinVar:

ClinVar aggregate classification (germline): Conflicting classifications of pathogenicity. Review status: criteria provided, conflicting classifications (1 of 4 stars). 2 submissions from 2 submitters: Uncertain significance (1); Likely benign (1). Last evaluated 2022-11-16.

Allele frequency attached by ClinVar (database versions not stated): gnomAD 0.00001; gnomAD exomes 0.00011; ExAC 0.00020; TOPMed 0.00003.

Submissions (2):

GeneDx
Classification: Uncertain significance. Last evaluated: 2022-11-16. Review status: criteria provided, single submitter. Criteria: GeneDx Variant Classification Process June 2021. Collection method: clinical testing. Allele origin: germline. Affected: yes.
Comment: Has not been previously published as pathogenic or benign to our knowledge; In silico analysis supports that this missense variant has a deleterious effect on protein structure/function

Labcorp Genetics (formerly Invitae), Labcorp
Classification: Likely benign. Last evaluated: 2022-07-18. Review status: criteria provided, single submitter. Criteria: Invitae Variant Classification Sherloc (09022015). Collection method: clinical testing. Allele origin: germline.

NM_005557.4(KRT16):c.769G>A (p.Glu257Lys)

Gene: KRT16 (keratin 16; minus strand). Cytogenetic location: 17q21.2.
Variant type: single nucleotide variant.
Coding change: c.769G>A on transcript NM_005557.4 (MANE Select); coding-DNA position 769, G replaced by A.
Protein change: p.Glu257Lys; replaces glutamic acid 257 with lysine.
Molecular consequence: missense variant.
Genome position (GRCh38, 1-based): chr17:41,611,347, C>T on the plus strand (G>A on the coding strand, the complement: KRT16 is on the minus strand). VCF-style: chr17-41611347-C-T. GRCh37 (hg19) VCF-style: chr17-39767599-C-T.
Other names: c.769G>A (NM_005557.3); short protein forms E257K.
Identifiers: ClinVar variation 2064361 (VCV002064361.5), dbSNP rs778174614, ClinGen allele CA8563141.
Genomic context (GRCh38, chr17:41,611,347, plus strand): 5'-TGCATCTGGCAACCCCACCAAACCAGCCTCCCACCCCGGAAGCCAGCAGCGACCGTACCT[C>T]CTCGTGGTTCTTCCTCAGGTAGGCCAGCTCCTCCTTCAGGCCTTCGATCTGCATCTCCAG-3'
Protein context (NP_005548.2, residues 247-267): ELAYLRKNHE[Glu257Lys]EMLALRGQTG